The following is an entry in ClinVar:

ClinVar aggregate classification (germline): Uncertain significance. Review status: criteria provided, multiple submitters, no conflicts (2 of 4 stars). 2 submissions from 2 submitters: Uncertain significance (2). Last evaluated 2026-08-12.

Conditions:
SEMA3A-related disorder. Also called: SEMA3A-related condition.
Inborn genetic diseases. Identifiers: MedGen C0950123, MeSH D030342.

Allele frequency attached by ClinVar (database versions not stated): gnomAD exomes below 0.00001; ExAC 0.00001.
gnomAD v4.1: 9 of 1,614,034 alleles (0.00056%); highest among the groups gnomAD compares: South Asian, 0.0011%; no homozygotes.

Submissions (2):

PreventionGenetics, part of Exact Sciences
Classification: Uncertain significance for SEMA3A-related condition. Last evaluated: 2026-08-12. Review status: criteria provided, single submitter. Criteria: ACMG Guidelines, 2015. Collection method: clinical testing. Allele origin: germline.
Comment: The SEMA3A c.2230A>G variant is predicted to result in the amino acid substitution p.Ser744Gly. To our knowledge, this variant has not been reported in the literature. This variant is reported in 0.0033% of alleles in individuals of South Asian descent in gnomAD. At this time, the clinical significance of this variant is uncertain due to the absence of conclusive functional and genetic evidence.

Ambry Genetics
Classification: Uncertain significance for Inborn genetic diseases. Last evaluated: 2023-04-26. Review status: criteria provided, single submitter. Criteria: Ambry Variant Classification Scheme 2023. Collection method: clinical testing. Allele origin: germline.

NM_006080.3(SEMA3A):c.2230A>G (p.Ser744Gly)

Gene: SEMA3A (semaphorin 3A; minus strand). Cytogenetic location: 7q21.11.
Variant type: single nucleotide variant.
Coding change: c.2230A>G on transcript NM_006080.3 (MANE Select); coding-DNA position 2230, A replaced by G.
Protein change: p.Ser744Gly; replaces serine 744 with glycine.
Molecular consequence: missense variant.
Genome position (GRCh38, 1-based): chr7:83,961,457, T>C on the plus strand (A>G on the coding strand, the complement: SEMA3A is on the minus strand). VCF-style: chr7-83961457-T-C. GRCh37 (hg19) VCF-style: chr7-83590773-T-C.
Other names: short protein forms S744G.
Identifiers: ClinVar variation 2550283 (VCV002550283.4), dbSNP rs749759577, ClinGen allele CA4322522.
Genomic context (GRCh38, chr7:83,961,457, plus strand): 5'-ATTCGTGGGTCCTCCTGTTTCTACCTTTCTTATTTTCTTGTAAGTGCTTCCATTTGTTAC[T>C]GTTCCCTGGGGTATGTCCTGGCCTTTGCCGACGTTGTTTTCGGTCCCTTTTCCAAACTTG-3'
Protein context (NP_006071.1, residues 734-754): RQRPGHTPGN[Ser744Gly]NKWKHLQENK